The following is an entry in ClinVar:

ClinVar aggregate classification (germline): Uncertain significance (1 of 4 stars; one submission).

Submission:

Ambry Genetics
Classification: Uncertain significance. Last evaluated: 2021-10-26. Review status: criteria provided, single submitter. Criteria: Ambry Variant Classification Scheme 2023. Collection method: clinical testing. Allele origin: germline.
Comment: The p.K1416N variant (also known as c.4248A>C), located in coding exon 12 of the MLH3 gene, results from an A to C substitution at nucleotide position 4248. The lysine at codon 1416 is replaced by asparagine, an amino acid with similar properties. This amino acid position is conserved. In addition, this alteration is predicted to be tolerated by in silico analysis. Since supporting evidence is limited at this time, the clinical significance of this alteration remains unclear.

NM_001040108.2(MLH3):c.4248A>C (p.Lys1416Asn)

Gene: MLH3 (mutL homolog 3; minus strand). Cytogenetic location: 14q24.3.
Variant type: single nucleotide variant.
Coding change: c.4248A>C on transcript NM_001040108.2 (MANE Select); coding-DNA position 4248, A replaced by C.
Protein change: p.Lys1416Asn; replaces lysine 1416 with asparagine.
Molecular consequence: missense variant.
Genome position (GRCh38, 1-based): chr14:75,017,196, T>G on the plus strand (A>C on the coding strand, the complement: MLH3 is on the minus strand). VCF-style: chr14-75017196-T-G. GRCh37 (hg19) VCF-style: chr14-75483899-T-G.
Other names: c.4176A>C, p.Lys1392Asn (NM_014381.3); short protein forms K1416N, K1392N.
Identifiers: ClinVar variation 1739042 (VCV001739042.2), dbSNP rs1889941628, ClinGen allele CA390418246.